The following is an entry in ClinVar:

NM_001457.4(FLNB):c.1345+160A>G

Gene: FLNB (filamin B; plus strand). Cytogenetic location: 3p14.3.
Variant type: single nucleotide variant.
Coding change: c.1345+160A>G on transcript NM_001457.4 (MANE Select); 160 bases into the intron after coding-DNA position 1345, A replaced by G.
Molecular consequence: intron variant.
Genome position (GRCh38, 1-based): chr3:58,099,068, A>G. VCF-style: chr3-58099068-A-G. GRCh37 (hg19) VCF-style: chr3-58084795-A-G.
Other names: c.1345+160A>G (NM_001164317.2, NM_001164318.2, NM_001164319.2).
Identifiers: ClinVar variation 683077 (VCV000683077.2), dbSNP rs3732638, ClinGen allele CA11582015.

ClinVar aggregate classification (germline): Benign. Review status: criteria provided, multiple submitters, no conflicts (2 of 4 stars). 2 submissions from 2 submitters: Benign (2). Last evaluated 2018-06-14.

Allele frequency attached by ClinVar (database versions not stated): gnomAD 0.42679 and 0.43760; TOPMed 0.45763; 1000 Genomes Project 0.62300; 1000 Genomes Project 30x 0.62336.
gnomAD v4.1: 66,554 of 152,008 alleles (44%); highest among the groups gnomAD compares: East Asian, 92%; 16,204 homozygotes.

Submissions (2):

GeneDx
Classification: Benign. Last evaluated: 2018-06-14. Review status: criteria provided, single submitter. Criteria: GeneDx Variant Classification (06012015). Collection method: clinical testing. Allele origin: germline. Affected: yes.
Comment: This variant is considered likely benign or benign based on one or more of the following criteria: it is a conservative change, it occurs at a poorly conserved position in the protein, it is predicted to be benign by multiple in silico algorithms, and/or has population frequency not consistent with disease.

Breakthrough Genomics
Classification: Benign. Review status: criteria provided, single submitter. Criteria: ACMG Guidelines, 2015. Collection method: not provided. Allele origin: germline. Inheritance: Autosomal recessive inheritance. Affected: yes.